The following is an entry in ClinVar:

ClinVar aggregate classification (germline): Benign (1 of 4 stars; one submission).

Conditions:
Colorectal cancer, susceptibility to, 12 (CRCS12). Also called: COLORECTAL CANCER, SUSCEPTIBILITY TO, ON CHROMOSOME 12q24. Identifiers: Orphanet 220460, MedGen C3554460, MONDO:0014038, OMIM 615083.

Submission:

Myriad Genetics, Inc.
Classification: Benign for Colorectal cancer, susceptibility to, 12. Last evaluated: 2025-02-11. Review status: criteria provided, single submitter. Criteria: Myriad Autosomal Dominant, Autosomal Recessive and X-Linked Classification Criteria (2023). Collection method: clinical testing. Allele origin: unknown.
Comment: This variant is considered benign. This variant is a silent/synonymous amino acid change and it is not expected to impact splicing.

NM_006231.4(POLE):c.1425C>T (p.His475=)

Gene: POLE (DNA polymerase epsilon, catalytic subunit; minus strand). Cytogenetic location: 12q24.33.
Variant type: single nucleotide variant.
Coding change: c.1425C>T on transcript NM_006231.4 (MANE Select); coding-DNA position 1425, C replaced by T.
Protein change: p.His475=; no amino-acid change (histidine 475 retained).
Molecular consequence: synonymous variant.
Genome position (GRCh38, 1-based): chr12:132,673,212, G>A on the plus strand (C>T on the coding strand, the complement: POLE is on the minus strand). VCF-style: chr12-132673212-G-A. GRCh37 (hg19) VCF-style: chr12-133249798-G-A.
Identifiers: ClinVar variation 3904227 (VCV003904227.1).